The following is an entry in ClinVar:

NM_024063.3(AFG2B):c.486C>G (p.Ala162=)

Gene: AFG2B (AAA ATPase AFG2B; plus strand). Cytogenetic location: 15q21.1.
Variant type: single nucleotide variant.
Coding change: c.486C>G on transcript NM_024063.3 (MANE Select); coding-DNA position 486, C replaced by G.
Protein change: p.Ala162=; no amino-acid change (alanine 162 retained).
Molecular consequence: synonymous variant. On other transcripts: non-coding transcript variant (5).
Genome position (GRCh38, 1-based): chr15:45,402,915, C>G. VCF-style: chr15-45402915-C-G. GRCh37 (hg19) VCF-style: chr15-45695113-C-G.
Other names: c.486C>G, p.Ala162= (NM_001323640.2).
Identifiers: ClinVar variation 4084426 (VCV004084426.8).
Genomic context (GRCh38, chr15:45,402,915, plus strand): 5'-ACCGATCTCCCTGGGCCACGTGGTGGTCGCTCCGCCAGGCGCTCCTGGCCTGGTGGCTGC[C>G]TTGCACATCGTCGGCGGGACGCCCAGTCCCGATCCCGCTGGGCTGGTCACCCCTCGTACC-3'
Protein context (NP_076968.2, residues 152-172): APPGAPGLVA[Ala162=]LHIVGGTPSP

ClinVar aggregate classification (germline): Likely benign (1 of 4 stars; one submission).

gnomAD v4.1: 40 of 1,598,124 alleles (0.0025%); highest among the groups gnomAD compares: Middle Eastern, 0.033%; no homozygotes.

Submission:

CeGaT Center for Human Genetics Tuebingen
Classification: Likely benign. Last evaluated: 2025-07-01. Review status: criteria provided, single submitter. Criteria: CeGaT Center For Human Genetics Tuebingen Variant Classification Criteria Version 2. Collection method: clinical testing. Allele origin: germline. Affected: yes. Observed: 1 variant allele.
Comment: AFG2B: BP4, BP7